The following is an entry in ClinVar:

ClinVar aggregate classification (germline): Uncertain significance (1 of 4 stars; one submission).

Conditions:
Neuroblastoma, susceptibility to, 3. Also called: ALK-Related Neuroblastic Tumor Susceptibility. Identifiers: Orphanet 635, MedGen C2751681, MONDO:0013083, OMIM 613014.

Submission:

Labcorp Genetics (formerly Invitae), Labcorp
Classification: Uncertain significance for Neuroblastoma, susceptibility to, 3. Last evaluated: 2024-04-24. Review status: criteria provided, single submitter. Criteria: Invitae Variant Classification Sherloc (09022015). Collection method: clinical testing. Allele origin: germline.
Comment: This sequence change replaces glutamic acid, which is acidic and polar, with aspartic acid, which is acidic and polar, at codon 663 of the ALK protein (p.Glu663Asp). This variant is not present in population databases (gnomAD no frequency). This variant has not been reported in the literature in individuals affected with ALK-related conditions. Algorithms developed to predict the effect of missense changes on protein structure and function output the following: SIFT: "Not Available"; PolyPhen-2: "Benign"; Align-GVGD: "Not Available". The aspartic acid amino acid residue is found in multiple mammalian species, which suggests that this missense change does not adversely affect protein function. In summary, the available evidence is currently insufficient to determine the role of this variant in disease. Therefore, it has been classified as a Variant of Uncertain Significance.

NM_004304.5(ALK):c.1989G>C (p.Glu663Asp)

Gene: ALK (ALK receptor tyrosine kinase; minus strand). Cytogenetic location: 2p23.2.
Variant type: single nucleotide variant.
Coding change: c.1989G>C on transcript NM_004304.5 (MANE Select); coding-DNA position 1989, G replaced by C.
Protein change: p.Glu663Asp; replaces glutamic acid 663 with aspartic acid.
Molecular consequence: missense variant.
Genome position (GRCh38, 1-based): chr2:29,275,151, C>G on the plus strand (G>C on the coding strand, the complement: ALK is on the minus strand). VCF-style: chr2-29275151-C-G. GRCh37 (hg19) VCF-style: chr2-29498017-C-G.
Other names: short protein forms E663D.
Identifiers: ClinVar variation 3627287 (VCV003627287.2).